The following is an entry in ClinVar:

ClinVar aggregate classification (germline): Uncertain significance (1 of 4 stars; one submission).

Conditions:
Idiopathic generalized epilepsy. Also called: EIG; Generalised epilepsy. Identifiers: MedGen C0270850, MONDO:0005579, OMIM 600669.

gnomAD v4.1: 33 of 1,613,884 alleles (0.002%); highest among the groups gnomAD compares: Non-Finnish European, 0.0028%; no homozygotes.

Submission:

Labcorp Genetics (formerly Invitae), Labcorp
Classification: Uncertain significance for Idiopathic generalized epilepsy. Last evaluated: 2023-10-03. Review status: criteria provided, single submitter. Criteria: Invitae Variant Classification Sherloc (09022015). Collection method: clinical testing. Allele origin: germline.
Comment: This sequence change replaces proline, which is neutral and non-polar, with glutamine, which is neutral and polar, at codon 117 of the RBFOX1 protein (p.Pro117Gln). The frequency data for this variant in the population databases is considered unreliable, as metrics indicate poor data quality at this position in the gnomAD database. This variant has not been reported in the literature in individuals affected with RBFOX1-related conditions. Advanced modeling of protein sequence and biophysical properties (such as structural, functional, and spatial information, amino acid conservation, physicochemical variation, residue mobility, and thermodynamic stability) performed at Invitae indicates that this missense variant is not expected to disrupt RBFOX1 protein function. In summary, the available evidence is currently insufficient to determine the role of this variant in disease. Therefore, it has been classified as a Variant of Uncertain Significance.

NM_018723.4(RBFOX1):c.290C>A (p.Pro97Gln)

Genes: RBFOX1 (RNA binding fox-1 homolog 1; plus strand), LOC126862278 (CDK7 strongly-dependent group 2 enhancer GRCh37_chr16:7629446-7630645; plus strand). Cytogenetic location: 16p13.3.
Variant type: single nucleotide variant.
Coding change: c.290C>A on transcript NM_018723.4 (MANE Select); coding-DNA position 290, C replaced by A.
Protein change: p.Pro97Gln; replaces proline 97 with glutamine.
Molecular consequence: missense variant.
Genome position (GRCh38, 1-based): chr16:7,579,796, C>A. VCF-style: chr16-7579796-C-A. GRCh37 (hg19) VCF-style: chr16-7629798-C-A.
Other names: c.290C>A, p.Pro97Gln (NM_001142333.2, NM_001142334.2, NM_001364800.2 and 1 more transcripts); c.419C>A, p.Pro140Gln (NM_001308117.1, NM_001411047.1, NM_001415891.1 and 5 more transcripts); c.887C>A, p.Pro296Gln (NM_001415887.1, NM_001415888.1); c.398C>A, p.Pro133Gln (NM_001415889.1, NM_001415892.1, NM_001415894.1 and 5 more transcripts); c.365C>A, p.Pro122Gln (NM_001415890.1, NM_001415893.1, NM_001415913.1 and 4 more transcripts); c.350C>A, p.Pro117Gln (NM_001415896.1, NM_001415906.1, NM_001415915.1 and 4 more transcripts); c.296C>A, p.Pro99Gln (NM_001415911.1, NM_001415902.1, NM_001415917.1); short protein forms P133Q, P140Q, P117Q, P99Q, P122Q, P296Q, P97Q.
Identifiers: ClinVar variation 2721767 (VCV002721767.3), dbSNP rs139251660, ClinGen allele CA7891430.